The following is an entry in ClinVar:

NM_000182.5(HADHA):c.966T>A (p.Cys322Ter)

Gene: HADHA (hydroxyacyl-CoA dehydrogenase trifunctional multienzyme complex subunit alpha; minus strand). Cytogenetic location: 2p23.3.
Variant type: single nucleotide variant.
Coding change: c.966T>A on transcript NM_000182.5 (MANE Select); coding-DNA position 966, T replaced by A.
Protein change: p.Cys322Ter; replaces cysteine 322 with a stop codon.
Molecular consequence: nonsense.
Genome position (GRCh38, 1-based): chr2:26,212,579, A>T on the plus strand (T>A on the coding strand, the complement: HADHA is on the minus strand). VCF-style: chr2-26212579-A-T. GRCh37 (hg19) VCF-style: chr2-26435448-A-T.
Other names: short protein forms C322*.
Identifiers: ClinVar variation 5006265 (VCV005006265.2).

ClinVar aggregate classification (germline): Likely pathogenic (1 of 4 stars; one submission).

Conditions:
Mitochondrial trifunctional protein deficiency 1 (MTPD1). Identifiers: MedGen CN376812, MONDO:0958181, OMIM 609015.
Long chain 3-hydroxyacyl-CoA dehydrogenase deficiency. Also called: LCHAD Deficiency; Deficiency of long-chain 3-hydroxyacyl-coenzyme A dehydrogenase. Identifiers: Orphanet 5, MedGen C3711645, MONDO:0012173, OMIM 609016.

Submission:

Juno Genomics, Hangzhou Juno Genomics, Inc
Classification: Likely pathogenic for Mitochondrial trifunctional protein deficiency 1; Long chain 3-hydroxyacyl-CoA dehydrogenase deficiency. Review status: criteria provided, single submitter. Criteria: ACMG Guidelines, 2015. Collection method: clinical testing. Allele origin: germline.
Comment: Null variant in a gene where loss of function (LOF) is a known mechanism of disease.;Absent from controls (or at extremely low frequency if recessive) in Genome Aggregation Database.